The following is an entry in ClinVar:

NM_001854.4(COL11A1):c.3245C>T (p.Pro1082Leu)

Gene: COL11A1 (collagen type XI alpha 1 chain; minus strand). Cytogenetic location: 1p21.1.
Variant type: single nucleotide variant.
Coding change: c.3245C>T on transcript NM_001854.4 (MANE Select); coding-DNA position 3245, C replaced by T.
Protein change: p.Pro1082Leu; replaces proline 1082 with leucine.
Molecular consequence: missense variant. On other transcripts: non-coding transcript variant (1).
Genome position (GRCh38, 1-based): chr1:102,946,880, G>A on the plus strand (C>T on the coding strand, the complement: COL11A1 is on the minus strand). VCF-style: chr1-102946880-G-A. GRCh37 (hg19) VCF-style: chr1-103412436-G-A.
Other names: c.3128C>T, p.Pro1043Leu (NM_001190709.2); c.3281C>T, p.Pro1094Leu (NM_080629.3); c.2897C>T, p.Pro966Leu (NM_080630.4); short protein forms P1043L, P1082L, P1094L, P966L.
Identifiers: ClinVar variation 3362378 (VCV003362378.3).

ClinVar aggregate classification (germline): Uncertain significance (1 of 4 stars; one submission).

Conditions:
Marshall syndrome (MRSHS). Identifiers: Orphanet 560, MedGen C0265235, MONDO:0007949, OMIM 154780.

Submission:

Neuberg Centre For Genomic Medicine, NCGM
Classification: Uncertain significance for Marshall syndrome. Last evaluated: 2023-05-20. Review status: criteria provided, single submitter. Criteria: ACMG Guidelines, 2015. Collection method: clinical testing. Allele origin: germline. Inheritance: Autosomal dominant inheritance. Affected: yes.
Comment: The missense c.3245C>T (p.Pro1082Leu) variant in the COL11A1 gene has not been reported previously as a pathogenic variant nor as a benign variant, to our knowledge. This variant is absent in the gnomAD Exomes. The amino acid Proline at position 1082 is changed to a Leucine changing protein sequence and it might alter its composition and physico-chemical properties. Multiple lines of computational evidence (Polyphen - Probably damaging, SIFT – Damaging and MutationTaster - Disease causing) predict a damaging effect on protein structure and function for this variant. The amino acid Proline in COL11A1 is predicted as conserved by GERP++ and PhyloP across 100 vertebrates. For these reasons, this variant has been classified as Uncertain Significance.